The following is an entry in ClinVar:

ClinVar aggregate classification (germline): Pathogenic (1 of 4 stars; one submission).

Conditions:
Familial cancer of breast. Also called: hereditary breast carcinoma; BREAST CANCER, FAMILIAL; Hereditary breast cancer. Identifiers: Orphanet 227535, MedGen C0346153, MONDO:0016419, OMIM 114480. Disease mechanism: loss of function.

Submission:

Myriad Genetics, Inc.
Classification: Pathogenic for Familial cancer of breast. Last evaluated: 2024-02-05. Review status: criteria provided, single submitter. Criteria: Myriad Autosomal Dominant, Autosomal Recessive and X-Linked Classification Criteria (2023). Collection method: clinical testing. Allele origin: unknown.
Comment: This variant is considered pathogenic. This variant creates a termination codon and is predicted to result in premature protein truncation.

NM_000051.4(ATM):c.8630T>A (p.Leu2877Ter)

Genes: ATM (ATM serine/threonine kinase; plus strand), C11orf65 (chromosome 11 open reading frame 65; minus strand). Cytogenetic location: 11q22.3.
Variant type: single nucleotide variant.
Coding change: c.8630T>A on transcript NM_000051.4 (MANE Select); coding-DNA position 8630, T replaced by A.
Protein change: p.Leu2877Ter; replaces leucine 2877 with a stop codon.
Molecular consequence: nonsense. On other transcripts: intron variant (2).
Genome position (GRCh38, 1-based): chr11:108,347,324, T>A. VCF-style: chr11-108347324-T-A. GRCh37 (hg19) VCF-style: chr11-108218051-T-A.
Other names: c.8630T>A, p.Leu2877Ter (NM_001351834.2); c.641-38253A>T (NM_001330368.2); c.695-12032A>T (NM_001351110.2); short protein forms L2877*.
Identifiers: ClinVar variation 3147986 (VCV003147986.1), dbSNP rs2137082237, ClinGen allele CA382520840.